The following is an entry in ClinVar:

NM_001271.4(CHD2):c.5029dup (p.Asp1677fs)

Gene: CHD2 (chromodomain helicase DNA binding protein 2; plus strand). Cytogenetic location: 15q26.1.
Variant type: Duplication.
Coding change: c.5029dup on transcript NM_001271.4 (MANE Select); coding-DNA position 5029, one base duplicated (G; older notation c.5029dupG).
Protein change: p.Asp1677fs; shifts the reading frame from aspartic acid 1677.
Molecular consequence: frameshift variant.
Genome position (GRCh38, 1-based): chr15:93,020,134, G duplicated; the last of 4 consecutive G bases (chr15:93,020,131-93,020,134); duplicating any one gives the same sequence. VCF-style (leftmost placement, unchanged base first): chr15-93020130-T-TG. GRCh37 (hg19) VCF-style: chr15-93563360-T-TG.
Other names: short protein forms D1677fs.
Identifiers: ClinVar variation 2004503 (VCV002004503.4), dbSNP rs2505642017, ClinGen allele CA2580090333.

ClinVar aggregate classification (germline): Pathogenic (1 of 4 stars; one submission).

Conditions:
Developmental and epileptic encephalopathy 94 (DEE94). Also called: CHD2-Related Neurodevelopmental Disorders; Epileptic encephalopathy, childhood-onset. Identifiers: Orphanet 1942, Orphanet 2382, MedGen C3809278, MONDO:0014150, OMIM 615369.

Submission:

Labcorp Genetics (formerly Invitae), Labcorp
Classification: Pathogenic for Developmental and epileptic encephalopathy 94. Last evaluated: 2022-06-10. Review status: criteria provided, single submitter. Criteria: Invitae Variant Classification Sherloc (09022015). Collection method: clinical testing. Allele origin: germline.
Comment: For these reasons, this variant has been classified as Pathogenic. This variant has not been reported in the literature in individuals affected with CHD2-related conditions. This variant is not present in population databases (gnomAD no frequency). This sequence change creates a premature translational stop signal (p.Asp1677Glyfs*25) in the CHD2 gene. It is expected to result in an absent or disrupted protein product. Loss-of-function variants in CHD2 are known to be pathogenic (PMID: 23708187, 24207121).

Literature cited by the submitters: PubMed 23708187; PubMed 24207121.